The following is an entry in ClinVar:

NM_001369.3(DNAH5):c.9124C>T (p.Arg3042Ter)

Gene: DNAH5 (dynein axonemal heavy chain 5; minus strand). Cytogenetic location: 5p15.2.
Variant type: single nucleotide variant.
Coding change: c.9124C>T on transcript NM_001369.3 (MANE Select); coding-DNA position 9124, C replaced by T.
Protein change: p.Arg3042Ter; replaces arginine 3042 with a stop codon.
Molecular consequence: nonsense.
Genome position (GRCh38, 1-based): chr5:13,776,688, G>A on the plus strand (C>T on the coding strand, the complement: DNAH5 is on the minus strand). VCF-style: chr5-13776688-G-A. GRCh37 (hg19) VCF-style: chr5-13776797-G-A.
Other names: short protein forms R3042*.
Identifiers: ClinVar variation 643375 (VCV000643375.15), dbSNP rs760595654, ClinGen allele CA3202606.

ClinVar aggregate classification (germline): Pathogenic/Likely pathogenic. Review status: criteria provided, multiple submitters, no conflicts (2 of 4 stars). 6 submissions from 6 submitters: Pathogenic (4); Likely pathogenic (2). Last evaluated 2025-11-18.

Conditions:
Primary ciliary dyskinesia 3. Identifiers: Orphanet 244, MedGen C1837618, MONDO:0012085, OMIM 608644.
DNAH5-related disorder. Also called: DNAH5-related condition.
Primary ciliary dyskinesia. Also called: Ciliary dyskinesia. Identifiers: Orphanet 244, MedGen C0008780, MONDO:0016575, HP:0012265.
Glycine encephalopathy 1 (GCE1). Identifiers: MedGen CN376801, MONDO:0958179, OMIM 605899.

gnomAD v4.1: 10 of 1,613,564 alleles (0.00062%); highest among the groups gnomAD compares: East Asian, 0.0022%; no homozygotes.

Submissions (6):

Labcorp Genetics (formerly Invitae), Labcorp
Classification: Pathogenic for Primary ciliary dyskinesia. Last evaluated: 2025-11-18. Review status: criteria provided, single submitter. Criteria: Invitae Variant Classification Sherloc (09022015). Collection method: clinical testing. Allele origin: germline.
Comment: This sequence change creates a premature translational stop signal (p.Arg3042*) in the DNAH5 gene. It is expected to result in an absent or disrupted protein product. Loss-of-function variants in DNAH5 are known to be pathogenic (PMID: 11788826, 16627867). This variant is present in population databases (rs760595654, gnomAD 0.006%). This premature translational stop signal has been observed in individual(s) with primary ciliary dyskinesia (internal data). ClinVar contains an entry for this variant (Variation ID: 643375). For these reasons, this variant has been classified as Pathogenic.

3billion
Classification: Pathogenic for Primary ciliary dyskinesia 3. Last evaluated: 2025-09-17. Review status: criteria provided, single submitter. Criteria: ACMG Guidelines, 2015. Collection method: clinical testing. Allele origin: germline. Affected: yes.
Comment: The variant is observed at an extremely low frequency in the gnomAD v4.1.0 dataset (total allele frequency: <0.001%). Predicted Consequence/Location: Stop-gained (nonsense): predicted to result in a loss or disruption of normal protein function through nonsense-mediated decay (NMD) or protein truncation. Multiple pathogenic variants are reported downstream of the variant. The variant has been reported at least twice as pathogenic without evidence for the classification (ClinVar ID: VCV000643375). Therefore, this variant is classified as Pathogenic according to the recommendation of ACMG/AMP guideline.

PreventionGenetics, part of Exact Sciences
Classification: Likely pathogenic for DNAH5-related condition. Last evaluated: 2025-03-05. Review status: criteria provided, single submitter. Criteria: ACMG Guidelines, 2015. Collection method: clinical testing. Allele origin: germline.
Comment: The DNAH5 c.9124C>T variant is predicted to result in premature protein termination (p.Arg3042*). To our knowledge, this variant has not been reported in the literature. This variant is reported in 0.0054% of alleles in individuals of East Asian descent in gnomAD. Nonsense variants in DNAH5 are expected to be pathogenic. This variant is interpreted as likely pathogenic.

Natera, Inc.
Classification: Likely pathogenic for Primary ciliary dyskinesia. Last evaluated: 2024-11-18. Review status: criteria provided, single submitter. Criteria: Natera Variant Classification Schema (03/2026). Collection method: clinical testing. Allele origin: germline.
Comment: The c.9124C>T variant in DNAH5 is a nonsense variant predicted to introduce a stop codon at amino acid 3042. This variant is expected to result in nonsense mediated decay, truncation, or a dysfunctional protein product. This variant is rare in the general population with a frequency below the threshold expected for the associated phenotype(s). Given the available evidence, this variant is classified as Likely Pathogenic.

Daryl Scott Lab, Baylor College of Medicine
Classification: Pathogenic for Glycine encephalopathy 1. Last evaluated: 2024-04-01. Review status: criteria provided, single submitter. Criteria: ACMG Guidelines, 2015. Collection method: clinical testing. Allele origin: paternal. Observed: 1 heterozygote.
Comment: PVS1, PS4, PM2

Johns Hopkins Genomics, Johns Hopkins University
Classification: Pathogenic for Primary ciliary dyskinesia 3. Last evaluated: 2020-04-02. Review status: criteria provided, single submitter. Criteria: ACMG Guidelines, 2015. Collection method: clinical testing. Allele origin: germline.
Comment: This nonsense variant results in a premature stop codon in exon 55 likely leading to nonsense-mediated decay and lack of protein production. DNAH5 c.9124C>T is absent from a large population dataset and has not been reported in the literature, to our knowledge. A single submitter in ClinVar classifies this variant as pathogenic. We consider this variant to be pathogenic.

Literature cited by the submitters: PubMed 11788826 (cited by Labcorp Genetics (formerly Invitae), Labcorp); PubMed 16627867 (cited by Labcorp Genetics (formerly Invitae), Labcorp).